The following is an entry in ClinVar:

NM_000834.5(GRIN2B):c.4213TTC[1] (p.Phe1406del)

Gene: GRIN2B (glutamate ionotropic receptor NMDA type subunit 2B; minus strand). Cytogenetic location: 12p13.1.
Variant type: Microsatellite.
Coding change: c.4213TTC[1] on transcript NM_000834.5 (MANE Select); one copy of the 3-base unit TTC starting at c.4213; the reference has two copies in a row; one copy, 3 bases deleted.
Protein change: p.Phe1406del; deletes phenylalanine 1406.
Molecular consequence: inframe deletion.
Genome position (GRCh38, 1-based): chr12:13,563,020-13,563,022, GAA deleted on the plus strand (TTC on the coding strand, the reverse complement: GRIN2B is on the minus strand); deleting any 3 consecutive bases within chr12:13,563,020-13,563,026 gives the same sequence; the position shown is the placement nearest the transcript's 3' end. VCF-style (leftmost placement, unchanged base first): chr12-13563019-TGAA-T. GRCh37 (hg19) VCF-style: chr12-13715953-TGAA-T.
Other names: c.4213TTC[1], p.Phe1406del (NM_001413992.1); short protein forms F1406del.
Identifiers: ClinVar variation 3257460 (VCV003257460.17).

ClinVar aggregate classification (germline): Uncertain significance (1 of 4 stars; one submission).

Submission:

CeGaT Center for Human Genetics Tuebingen
Classification: Uncertain significance. Last evaluated: 2024-07-01. Review status: criteria provided, single submitter. Criteria: CeGaT Center For Human Genetics Tuebingen Variant Classification Criteria Version 2. Collection method: clinical testing. Allele origin: germline. Affected: yes. Observed: 1 variant allele.
Comment: GRIN2B: PM2, PM4:Supporting, PS2:Supporting